The following is an entry in ClinVar:

NM_006767.4(LZTR1):c.1678T>G (p.Cys560Gly)

Gene: LZTR1 (leucine zipper like post translational regulator 1; plus strand). Cytogenetic location: 22q11.21.
Variant type: single nucleotide variant.
Coding change: c.1678T>G on transcript NM_006767.4 (MANE Select); coding-DNA position 1678, T replaced by G.
Protein change: p.Cys560Gly; replaces cysteine 560 with glycine.
Molecular consequence: missense variant.
Genome position (GRCh38, 1-based): chr22:20,994,620, T>G. VCF-style: chr22-20994620-T-G. GRCh37 (hg19) VCF-style: chr22-21348909-T-G.
Other names: short protein forms C560G.
Identifiers: ClinVar variation 1777842 (VCV001777842.2), dbSNP rs754093586, ClinGen allele CA410777712.

ClinVar aggregate classification (germline): Uncertain significance (1 of 4 stars; one submission).

Conditions:
Cardiovascular phenotype. Identifiers: MedGen CN230736.
Hereditary cancer-predisposing syndrome. Also called: Neoplastic Syndromes, Hereditary; Tumor predisposition; Hereditary Cancer Syndrome; Hereditary neoplastic syndrome. Identifiers: Orphanet 140162, MedGen C0027672, MeSH D009386, MONDO:0015356.

Submission:

Ambry Genetics
Classification: Uncertain significance for Cardiovascular phenotype; Hereditary cancer-predisposing syndrome. Last evaluated: 2022-03-03. Review status: criteria provided, single submitter. Criteria: Ambry Variant Classification Scheme 2023. Collection method: clinical testing. Allele origin: germline.
Comment: The p.C560G variant (also known as c.1678T>G), located in coding exon 15 of the LZTR1 gene, results from a T to G substitution at nucleotide position 1678. The cysteine at codon 560 is replaced by glycine, an amino acid with highly dissimilar properties. This amino acid position is conserved. In addition, this alteration is predicted to be tolerated by in silico analysis. Since supporting evidence is limited at this time, the clinical significance of this alteration remains unclear.